The following is an entry in ClinVar:

ClinVar aggregate classification (germline): Uncertain significance. Review status: criteria provided, multiple submitters, no conflicts (2 of 4 stars). 5 submissions from 5 submitters: Uncertain significance (5). Last evaluated 2026-08-27.

Conditions:
Inborn genetic diseases. Identifiers: MedGen C0950123, MeSH D030342.
Microcephaly 5, primary, autosomal recessive (MCPH5). Also called: ASPM Primary Microcephaly. Identifiers: Orphanet 2512, MedGen C1837501, MONDO:0012106, OMIM 608716.
ASPM-related disorder. Also called: ASPM-related condition.

Allele frequency attached by ClinVar (database versions not stated): gnomAD exomes 0.00001 and 0.00003; ExAC 0.00006; gnomAD 0.00019 and 0.00021; 1000 Genomes Project 0.00020; TOPMed 0.00021; ESP Exome Variant Server 0.00023; 1000 Genomes Project 30x 0.00031.
gnomAD v4.1: 45 of 1,613,644 alleles (0.0028%); highest among the groups gnomAD compares: African/African-American, 0.036%; no homozygotes.

Submissions (5):

PreventionGenetics, part of Exact Sciences
Classification: Uncertain significance for ASPM-related condition. Last evaluated: 2026-08-27. Review status: criteria provided, single submitter. Criteria: ACMG Guidelines, 2015. Collection method: clinical testing. Allele origin: germline.
Comment: The ASPM c.523G>A variant is predicted to result in the amino acid substitution p.Val175Ile. To our knowledge, this variant has not been reported in the literature. This variant is reported in 0.041% of alleles in individuals of African descent in gnomAD. At this time, the clinical significance of this variant is uncertain due to the absence of conclusive functional and genetic evidence.

Labcorp Genetics (formerly Invitae), Labcorp
Classification: Uncertain significance. Last evaluated: 2025-12-21. Review status: criteria provided, single submitter. Criteria: Invitae Variant Classification Sherloc (09022015). Collection method: clinical testing. Allele origin: germline.
Comment: This sequence change replaces valine, which is neutral and non-polar, with isoleucine, which is neutral and non-polar, at codon 175 of the ASPM protein (p.Val175Ile). This variant is present in population databases (rs201934616, gnomAD 0.04%). This variant has not been reported in the literature in individuals affected with ASPM-related conditions. ClinVar contains an entry for this variant (Variation ID: 597506). Invitae Evidence Modeling of protein sequence and biophysical properties (such as structural, functional, and spatial information, amino acid conservation, physicochemical variation, residue mobility, and thermodynamic stability) indicates that this missense variant is not expected to disrupt ASPM protein function with a negative predictive value of 80%. In summary, the available evidence is currently insufficient to determine the role of this variant in disease. Therefore, it has been classified as a Variant of Uncertain Significance.

Ambry Genetics
Classification: Uncertain significance for Inborn genetic diseases. Last evaluated: 2024-01-08. Review status: criteria provided, single submitter. Criteria: Ambry Variant Classification Scheme 2023. Collection method: clinical testing. Allele origin: germline.

Genome-Nilou Lab
Classification: Uncertain significance for Microcephaly 5, primary, autosomal recessive. Last evaluated: 2023-04-11. Review status: criteria provided, single submitter. Criteria: ACMG Guidelines, 2015. Collection method: clinical testing. Allele origin: germline. Affected: no.

Eurofins Ntd Llc (ga)
Classification: Uncertain significance. Last evaluated: 2018-06-14. Review status: criteria provided, single submitter. Criteria: EGL ClinVar v180209 classification definitions. Collection method: clinical testing. Allele origin: germline. Observed: 1 variant allele, 1 heterozygote.

NM_018136.5(ASPM):c.523G>A (p.Val175Ile)

Gene: ASPM (assembly factor for spindle microtubules; minus strand). Cytogenetic location: 1q31.3.
Variant type: single nucleotide variant.
Coding change: c.523G>A on transcript NM_018136.5 (MANE Select); coding-DNA position 523, G replaced by A.
Protein change: p.Val175Ile; replaces valine 175 with isoleucine.
Molecular consequence: missense variant.
Genome position (GRCh38, 1-based): chr1:197,143,729, C>T on the plus strand (G>A on the coding strand, the complement: ASPM is on the minus strand). VCF-style: chr1-197143729-C-T. GRCh37 (hg19) VCF-style: chr1-197112859-C-T.
Other names: c.523G>A (NM_018136.4); c.523G>A, p.Val175Ile (NM_001206846.2); short protein forms V175I.
Identifiers: ClinVar variation 597506 (VCV000597506.11), dbSNP rs201934616, ClinGen allele CA1310858.